The following is an entry in ClinVar:

ClinVar aggregate classification (germline): Pathogenic/Likely pathogenic. Review status: criteria provided, multiple submitters, no conflicts (2 of 4 stars). 2 submissions from 2 submitters: Pathogenic (1); Likely pathogenic (1). Last evaluated 2024-10-04.

Conditions:
Nemaline myopathy 2 (NEM2). Also called: Nemaline myopathy 2, autosomal recessive. Identifiers: MedGen C1850569, MONDO:0009725, OMIM 256030.

Submissions (2):

Myriad Genetics, Inc.
Classification: Pathogenic for Nemaline myopathy 2. Last evaluated: 2024-10-04. Review status: criteria provided, single submitter. Criteria: Myriad Autosomal Dominant, Autosomal Recessive and X-Linked Classification Criteria (2023). Collection method: clinical testing. Allele origin: unknown.
Comment: NM_001271208.1(NEB):c.11203G>T(E3735*) is expected to be pathogenic in the context of NEB-related nemaline myopathy. This variant is predicted to lead to an abnormal or absent protein product due to the creation of a premature termination codon in NEB, a gene where loss-of-function variants are known to be pathogenic. Please note: this variant was assessed in the context of healthy population screening.

Natera, Inc.
Classification: Likely pathogenic for Nemaline myopathy type 2. Last evaluated: 2024-08-30. Review status: criteria provided, single submitter. Criteria: Natera Variant Classification Schema (03/2026). Collection method: clinical testing. Allele origin: germline.
Comment: The c.11203G>T variant in NEB is a nonsense variant predicted to introduce a stop codon at amino acid 3735. This variant is expected to result in nonsense mediated decay, truncation, or a dysfunctional protein product. This variant is rare in the general population with a frequency below the threshold expected for the associated phenotype(s). Given the available evidence, this variant is classified as Likely Pathogenic.

NM_001164508.2(NEB):c.11203G>T (p.Glu3735Ter)

Gene: NEB (nebulin; minus strand). Cytogenetic location: 2q23.3.
Variant type: single nucleotide variant.
Coding change: c.11203G>T on transcript NM_001164508.2 (MANE Select); coding-DNA position 11203, G replaced by T.
Protein change: p.Glu3735Ter; replaces glutamic acid 3735 with a stop codon.
Molecular consequence: nonsense.
Genome position (GRCh38, 1-based): chr2:151,616,088, C>A on the plus strand (G>T on the coding strand, the complement: NEB is on the minus strand). VCF-style: chr2-151616088-C-A. GRCh37 (hg19) VCF-style: chr2-152472602-C-A.
Other names: c.11203G>T, p.Glu3735Ter (NM_001164507.2, NM_001271208.2); c.10474G>T, p.Glu3492Ter (NM_004543.5); short protein forms E3492*, E3735*.
Identifiers: ClinVar variation 4814705 (VCV004814705.2).